The following is an entry in ClinVar:

NM_000059.4(BRCA2):c.5578A>C (p.Lys1860Gln)

Gene: BRCA2 (BRCA2 DNA repair associated; plus strand). Cytogenetic location: 13q13.1.
Variant type: single nucleotide variant.
Coding change: c.5578A>C on transcript NM_000059.4 (MANE Select); coding-DNA position 5578, A replaced by C.
Protein change: p.Lys1860Gln; replaces lysine 1860 with glutamine.
Molecular consequence: missense variant.
Genome position (GRCh38, 1-based): chr13:32,339,933, A>C. VCF-style: chr13-32339933-A-C. GRCh37 (hg19) VCF-style: chr13-32914070-A-C.
Other names: short protein forms K1860Q.
Identifiers: ClinVar variation 630440 (VCV000630440.5), dbSNP rs431825332, ClinGen allele CA387786010.

ClinVar aggregate classification (germline): Conflicting classifications of pathogenicity. Review status: criteria provided, conflicting classifications (1 of 4 stars). 2 submissions from 2 submitters: Uncertain significance (1); Likely benign (1). Last evaluated 2023-03-23.

Conditions:
Hereditary cancer-predisposing syndrome. Also called: Tumor predisposition; Neoplastic Syndromes, Hereditary; Hereditary neoplastic syndrome; Hereditary Cancer Syndrome. Identifiers: Orphanet 140162, MedGen C0027672, MeSH D009386, MONDO:0015356.

Submissions (2):

University of Washington Department of Laboratory Medicine, University of Washington
Classification: Likely benign for Hereditary cancer-predisposing syndrome. Last evaluated: 2023-03-23. Review status: criteria provided, single submitter. Criteria: Dines et al. (Genet Med. 2020). Collection method: curation. Allele origin: germline.
Comment: Missense variant in a coldspot region where missense variants are very unlikely to be pathogenic (PMID:31911673).

BRCA2 exon 11 coldspot. Reclassification based on statistical prior probability.

Color Diagnostics, LLC DBA Color Health
Classification: Uncertain significance for Hereditary cancer-predisposing syndrome. Last evaluated: 2019-06-02. Review status: criteria provided, single submitter. Criteria: ACMG Guidelines, 2015. Collection method: clinical testing. Allele origin: germline.